The following is an entry in ClinVar:

ClinVar aggregate classification (germline): Uncertain significance. Review status: criteria provided, multiple submitters, no conflicts (2 of 4 stars). 4 submissions from 4 submitters: Uncertain significance (4). Last evaluated 2025-03-29.

Conditions:
Hereditary cancer-predisposing syndrome. Also called: Tumor predisposition; Neoplastic Syndromes, Hereditary; Hereditary Cancer Syndrome; Hereditary neoplastic syndrome. Identifiers: Orphanet 140162, MedGen C0027672, MeSH D009386, MONDO:0015356.
Cardiovascular phenotype. Identifiers: MedGen CN230736.
Juvenile myelomonocytic leukemia (JMML). Also called: LEUKEMIA, JUVENILE MYELOMONOCYTIC, SOMATIC. Identifiers: Orphanet 86834, MedGen C0349639, MONDO:0011908, OMIM 607785, HP:0012209.
Neurofibromatosis, type 1 (NF1). Also called: Neurofibromatosis, type I; NEUROFIBROMATOSIS, TYPE I, SOMATIC; Peripheral type neurofibromatosis; VON RECKLINGHAUSEN DISEASE. Identifiers: Orphanet 636, MedGen C0027831, MONDO:0018975, OMIM 162200. Disease mechanism: loss of function.

Submissions (4):

Labcorp Genetics (formerly Invitae), Labcorp
Classification: Uncertain significance for Neurofibromatosis, type 1. Last evaluated: 2025-03-29. Review status: criteria provided, single submitter. Criteria: Invitae Variant Classification Sherloc (09022015). Collection method: clinical testing. Allele origin: germline.
Comment: This sequence change replaces tyrosine, which is neutral and polar, with cysteine, which is neutral and slightly polar, at codon 1573 of the NF1 protein (p.Tyr1573Cys). This variant is not present in population databases (gnomAD no frequency). This variant has not been reported in the literature in individuals affected with NF1-related conditions. ClinVar contains an entry for this variant (Variation ID: 404498). Invitae Evidence Modeling of protein sequence and biophysical properties (such as structural, functional, and spatial information, amino acid conservation, physicochemical variation, residue mobility, and thermodynamic stability) indicates that this missense variant is expected to disrupt NF1 protein function with a positive predictive value of 95%. In summary, the available evidence is currently insufficient to determine the role of this variant in disease. Therefore, it has been classified as a Variant of Uncertain Significance.

GeneDx
Classification: Uncertain significance. Last evaluated: 2024-08-15. Review status: criteria provided, single submitter. Criteria: GeneDx Variant Classification Process June 2021. Collection method: clinical testing. Allele origin: germline. Affected: yes.
Comment: Not observed at significant frequency in large population cohorts (gnomAD); In silico analysis supports that this missense variant has a deleterious effect on protein structure/function; Has not been previously published as pathogenic or benign to our knowledge

Ambry Genetics
Classification: Uncertain significance for Cardiovascular phenotype; Hereditary cancer-predisposing syndrome. Last evaluated: 2024-01-30. Review status: criteria provided, single submitter. Criteria: Ambry Variant Classification Scheme 2023. Collection method: clinical testing. Allele origin: germline.
Comment: The p.Y1573C variant (also known as c.4718A>G), located in coding exon 35 of the NF1 gene, results from an A to G substitution at nucleotide position 4718. The tyrosine at codon 1573 is replaced by cysteine, an amino acid with highly dissimilar properties. This amino acid position is highly conserved in available vertebrate species. In addition, this alteration is predicted to be deleterious by in silico analysis. Based on the available evidence, the clinical significance of this alteration remains unclear.

Baylor Genetics
Classification: Uncertain significance for Juvenile myelomonocytic leukemia. Last evaluated: 2023-11-14. Review status: criteria provided, single submitter. Criteria: ACMG Guidelines, 2015. Collection method: clinical testing. Allele origin: unknown.

NM_001042492.3(NF1):c.4781A>G (p.Tyr1594Cys)

Gene: NF1 (neurofibromin 1; plus strand). Cytogenetic location: 17q11.2.
Variant type: single nucleotide variant.
Coding change: c.4781A>G on transcript NM_001042492.3 (MANE Select); coding-DNA position 4781, A replaced by G.
Protein change: p.Tyr1594Cys; replaces tyrosine 1594 with cysteine.
Molecular consequence: missense variant.
Genome position (GRCh38, 1-based): chr17:31,265,285, A>G. VCF-style: chr17-31265285-A-G. GRCh37 (hg19) VCF-style: chr17-29592303-A-G.
Other names: c.4718A>G, p.Tyr1573Cys (NM_000267.4); short protein forms Y1594C, Y1573C.
Identifiers: ClinVar variation 404498 (VCV000404498.9), dbSNP rs1060500303, ClinGen allele CA16615251.